The following is an entry in ClinVar:

NM_001009944.3(PKD1):c.4308_4339del (p.Asp1437fs)

Gene: PKD1 (polycystin 1, transient receptor potential channel interacting; minus strand). Cytogenetic location: 16p13.3.
Variant type: Deletion.
Coding change: c.4308_4339del on transcript NM_001009944.3 (MANE Select); coding-DNA positions 4308 to 4339, 32 bases deleted.
Protein change: p.Asp1437fs; shifts the reading frame from aspartic acid 1437.
Molecular consequence: frameshift variant.
Genome position (GRCh38, 1-based): chr16:2,110,828-2,110,859, 32 bases deleted; deleting any 32 consecutive bases within chr16:2,110,828-2,110,863 gives the same sequence; the c. name uses the placement nearest the transcript's 3' end. GRCh37 (hg19): chr16:2,160,833-2,160,864.
Other names: c.4308_4339del, p.Asp1437fs (NM_000296.4); short protein forms D1437fs.
Identifiers: ClinVar variation 3066159 (VCV003066159.1), dbSNP rs2544822734, ClinGen allele CA2740098071.
Genomic context (GRCh38, chr16:2,110,827, plus strand): 5'-AGCACGGGCTCCTGCACCTCCACCAGGGCTGAGTCATTGGCAGCAGAGATGTTGTTGGAC[GCGGTGACTGTCACAAGATAGGAGCCTGGGTCT>G]CGGTAGATGAACGTCACCTCAGGGCCCCTGGCACGGGTGGGGGCGGCTTCCTCGGTGCCA-3'

ClinVar aggregate classification (germline): Pathogenic (1 of 4 stars; one submission).

Conditions:
Polycystic kidney disease, adult type (PKD1). Also called: Polycystic Kidney, Autosomal Dominant; POLYCYSTIC KIDNEY DISEASE 1 WITH OR WITHOUT POLYCYSTIC LIVER DISEASE; Polycystic Kidney Disease 1, Autosomal Dominant; Polycystic kidney disease 1; Polycystic kidney disease 1, severe; POLYCYSTIC KIDNEY DISEASE, ADULT, TYPE I. Identifiers: MedGen C3149841, MONDO:0008263, OMIM 173900.

Submission:

MVZ Medizinische Genetik Mainz
Classification: Pathogenic for Polycystic kidney disease, adult type. Last evaluated: 2021-11-26. Review status: criteria provided, single submitter. Criteria: UK Practice Guidelines For Variant Classification V4 01 2020. Collection method: clinical testing. Allele origin: germline. Inheritance: Autosomal dominant inheritance. Affected: yes. Observed: 1 variant allele.
Comment: ACMG Criteria: PVS1, PM2_SUP, PP4 (ACMG Version 3)